The following is an entry in ClinVar:

ClinVar aggregate classification (germline): Likely pathogenic (1 of 4 stars; one submission).

Conditions:
Fanconi anemia (FA). Also called: Fanconi's anemia. Identifiers: Orphanet 84, MedGen C0015625, MeSH D005199, MONDO:0019391.

Submission:

Labcorp Genetics (formerly Invitae), Labcorp
Classification: Likely pathogenic for Fanconi anemia. Last evaluated: 2021-09-25. Review status: criteria provided, single submitter. Criteria: Invitae Variant Classification Sherloc (09022015). Collection method: clinical testing. Allele origin: germline.
Comment: In summary, the currently available evidence indicates that the variant is pathogenic, but additional data are needed to prove that conclusively. Therefore, this variant has been classified as Likely Pathogenic. Algorithms developed to predict the effect of sequence changes on RNA splicing suggest that this variant may disrupt the consensus splice site. This variant has not been reported in the literature in individuals affected with FANCA-related conditions. This variant is not present in population databases (ExAC no frequency). This sequence change affects a splice site in intron 3 of the FANCA gene. It is expected to disrupt RNA splicing. Variants that disrupt the donor or acceptor splice site typically lead to a loss of protein function (PMID: 16199547), and loss-of-function variants in FANCA are known to be pathogenic (PMID: 19367192).

Literature cited by the submitters: PubMed 16199547; PubMed 19367192.

NM_000135.4(FANCA):c.283+1_283+11del

Gene: FANCA (FA complementation group A; minus strand). Cytogenetic location: 16q24.3.
Variant type: Deletion.
Coding change: c.283+1_283+11del on transcript NM_000135.4 (MANE Select); the canonical splice donor site of the intron after coding-DNA position 283 through 11 bases into the intron after coding-DNA position 283, 11 bases deleted (GTAAGTTATAG).
Molecular consequence: splice donor variant.
Genome position (GRCh38, 1-based): chr16:89,814,509-89,814,519, CTATAACTTAC deleted on the plus strand (GTAAGTTATAG on the coding strand, the reverse complement: FANCA is on the minus strand); deleting any 11 consecutive bases within chr16:89,814,509-89,814,525 gives the same sequence; the c. name uses the placement nearest the transcript's 3' end. VCF-style (leftmost placement, unchanged base first): chr16-89814508-GCTATAACTTAC-G. GRCh37 (hg19) VCF-style: chr16-89880916-GCTATAACTTAC-G.
Other names: c.283+1_283+11del (NM_001286167.3, NM_001351830.2, NM_001018112.3).
Identifiers: ClinVar variation 1507840 (VCV001507840.6), dbSNP rs2143710613, ClinGen allele CA2573152787.